The following is an entry in ClinVar:

NM_001376.5(DYNC1H1):c.1817C>T (p.Thr606Ile)

Gene: DYNC1H1 (dynein cytoplasmic 1 heavy chain 1; plus strand). Cytogenetic location: 14q32.31.
Variant type: single nucleotide variant.
Coding change: c.1817C>T on transcript NM_001376.5 (MANE Select); coding-DNA position 1817, C replaced by T.
Protein change: p.Thr606Ile; replaces threonine 606 with isoleucine.
Molecular consequence: missense variant.
Genome position (GRCh38, 1-based): chr14:101,986,042, C>T. VCF-style: chr14-101986042-C-T. GRCh37 (hg19) VCF-style: chr14-102452379-C-T.
Other names: short protein forms T606I.
Identifiers: ClinVar variation 560994 (VCV000560994.7), dbSNP rs1566999079, ClinGen allele CA391019421.

ClinVar aggregate classification (germline): Uncertain significance. Review status: criteria provided, multiple submitters, no conflicts (2 of 4 stars). 2 submissions from 2 submitters: Uncertain significance (2). Last evaluated 2022-02-10.

Conditions:
Autosomal dominant childhood-onset proximal spinal muscular atrophy without contractures. Also called: SPINAL MUSCULAR ATROPHY, CHILDHOOD, PROXIMAL, AUTOSOMAL DOMINANT; Spinal muscular atrophy, lower extremity-predominant 1, AD; KUGELBERG-WELANDER SYNDROME, AUTOSOMAL DOMINANT; SPINAL MUSCULAR ATROPHY, JUVENILE, PROXIMAL, AUTOSOMAL DOMINANT. Identifiers: Orphanet 209341, Orphanet 363447, MedGen C5780022, MONDO:0008026, OMIM 158600.
Charcot-Marie-Tooth disease axonal type 2O. Also called: CHARCOT-MARIE-TOOTH NEUROPATHY, AXONAL, TYPE 2O; CHARCOT-MARIE-TOOTH DISEASE, AXONAL, AUTOSOMAL DOMINANT, TYPE 2O; Charcot-Marie-Tooth Neuropathy Type 2O; Charcot-Marie-Tooth disease, axonal, type 20. Identifiers: Orphanet 284232, MedGen C3280220, MONDO:0013644, OMIM 614228.

Submissions (2):

Labcorp Genetics (formerly Invitae), Labcorp
Classification: Uncertain significance for Charcot-Marie-Tooth disease axonal type 2O. Last evaluated: 2022-02-10. Review status: criteria provided, single submitter. Criteria: Invitae Variant Classification Sherloc (09022015). Collection method: clinical testing. Allele origin: germline.
Comment: This variant has not been reported in the literature in individuals affected with DYNC1H1-related conditions. Advanced modeling of protein sequence and biophysical properties (such as structural, functional, and spatial information, amino acid conservation, physicochemical variation, residue mobility, and thermodynamic stability) performed at Invitae indicates that this missense variant is expected to disrupt DYNC1H1 protein function. ClinVar contains an entry for this variant (Variation ID: 560994). This variant is not present in population databases (gnomAD no frequency). This sequence change replaces threonine, which is neutral and polar, with isoleucine, which is neutral and non-polar, at codon 606 of the DYNC1H1 protein (p.Thr606Ile). In summary, the available evidence is currently insufficient to determine the role of this variant in disease. Therefore, it has been classified as a Variant of Uncertain Significance.

Baylor Genetics
Classification: Uncertain significance for Autosomal dominant childhood-onset proximal spinal muscular atrophy without contractures. Last evaluated: 2017-09-01. Review status: criteria provided, single submitter. Criteria: ACMG Guidelines, 2015. Collection method: clinical testing. Allele origin: de novo. Inheritance: Autosomal dominant inheritance. Affected: yes.

Literature cited by the submitters: PubMed 25326635 (cited by Baylor Genetics).